The following is an entry in ClinVar:

NM_022436.3(ABCG5):c.433C>G (p.Arg145Gly)

Gene: ABCG5 (ATP binding cassette subfamily G member 5; minus strand). Cytogenetic location: 2p21.
Variant type: single nucleotide variant.
Coding change: c.433C>G on transcript NM_022436.3 (MANE Select); coding-DNA position 433, C replaced by G.
Protein change: p.Arg145Gly; replaces arginine 145 with glycine.
Molecular consequence: missense variant.
Genome position (GRCh38, 1-based): chr2:43,831,837, G>C on the plus strand (C>G on the coding strand, the complement: ABCG5 is on the minus strand). VCF-style: chr2-43831837-G-C. GRCh37 (hg19) VCF-style: chr2-44058976-G-C.
Other names: short protein forms R145G.
Identifiers: ClinVar variation 4699360 (VCV004699360.1).
Genomic context (GRCh38, chr2:43,831,837, plus strand): 5'-GGAAGGAGCCGGGATTGCCGCGGCGGATGGCCAGCAGCGCGGTGTAGTGCAGCGTCTCGC[G>C]CACGGTGAGGCTGCTCAGCAGGGTGTCGCTCTGCAGGAGACTCGGGCGTCAGTGTAGCCT-3'
Protein context (NP_071881.1, residues 135-155): SDTLLSSLTV[Arg145Gly]ETLHYTALLA

ClinVar aggregate classification (germline): Uncertain significance (1 of 4 stars; one submission).

Conditions:
Sitosterolemia (STSL). Also called: PHYTOSTEROLEMIA. Identifiers: Orphanet 2882, MedGen C0342907, MONDO:0008863.

Submission:

Labcorp Genetics (formerly Invitae), Labcorp
Classification: Uncertain significance for Sitosterolemia. Last evaluated: 2025-07-07. Review status: criteria provided, single submitter. Criteria: Invitae Variant Classification Sherloc (09022015). Collection method: clinical testing. Allele origin: germline.
Comment: This sequence change replaces arginine, which is basic and polar, with glycine, which is neutral and non-polar, at codon 145 of the ABCG5 protein (p.Arg145Gly). This variant is not present in population databases (gnomAD no frequency). This variant has not been reported in the literature in individuals affected with ABCG5-related conditions. An algorithm developed to predict the effect of missense changes on protein structure and function (PolyPhen-2) suggests that this variant is likely to be tolerated. In summary, the available evidence is currently insufficient to determine the role of this variant in disease. Therefore, it has been classified as a Variant of Uncertain Significance.